The following is an entry in ClinVar:

ClinVar aggregate classification (germline): Likely pathogenic (1 of 4 stars; one submission).
ClinVar aggregate classification (oncogenicity): Likely oncogenic (1 of 4 stars; one submission).

Conditions:
FAT1-related disorder. Also called: FAT1-related condition.
Neoplasm. Also called: tumor; Neoplasms; Neoplasm (disease). Identifiers: MedGen C0027651, MeSH D009369, MONDO:0005070, HP:0002664.

Allele frequency attached by ClinVar (database versions not stated): gnomAD exomes below 0.00001.
gnomAD v4.1: 6 of 1,613,792 alleles (0.00037%); highest among the groups gnomAD compares: Non-Finnish European, 0.00051%; no homozygotes.

Submissions (2):

Center for Genomic Medicine, Rigshospitalet, Copenhagen University Hospital
Classification: Likely oncogenic for Neoplasm. Last evaluated: 2025-03-04. Review status: criteria provided, single submitter. Criteria: ClinGen/CGC/VICC Guidelines for Oncogenicity, 2022. Collection method: clinical testing. Allele origin: somatic. Affected: yes.

PreventionGenetics, part of Exact Sciences
Classification: Likely pathogenic for FAT1-related condition. Last evaluated: 2023-01-17. Review status: criteria provided, single submitter. Criteria: ACMG Guidelines, 2015. Collection method: clinical testing. Allele origin: germline.
Comment: The FAT1 c.8749C>T variant is predicted to result in premature protein termination (p.Arg2917*). To our knowledge, this variant has not been reported in the literature or in a large population database, indicating this variant is rare. Nonsense variants in FAT1 are expected to be pathogenic. This variant is interpreted as likely pathogenic.

NM_005245.4(FAT1):c.8749C>T (p.Arg2917Ter)

Genes: FAT1 (FAT atypical cadherin 1; minus strand), LOC126807255 (BRD4-independent group 4 enhancer GRCh37_chr4:187538202-187539401; plus strand). Cytogenetic location: 4q35.2.
Variant type: single nucleotide variant.
Coding change: c.8749C>T on transcript NM_005245.4 (MANE Select); coding-DNA position 8749, C replaced by T.
Protein change: p.Arg2917Ter; replaces arginine 2917 with a stop codon.
Molecular consequence: nonsense.
Genome position (GRCh38, 1-based): chr4:186,617,837, G>A on the plus strand (C>T on the coding strand, the complement: FAT1 is on the minus strand). VCF-style: chr4-186617837-G-A. GRCh37 (hg19) VCF-style: chr4-187538991-G-A.
Other names: short protein forms R2917*.
Identifiers: ClinVar variation 2629321 (VCV002629321.2), dbSNP rs2126488480, ClinGen allele CA358960092.
Genomic context (GRCh38, chr4:186,617,837, plus strand): 5'-TCACCCCACCTTGGGGGTCATCCTCACTCACAGTCCCTTTATAGATCTCGGCCGTGAATC[G>A]TGGTGGACTATCGTTGACATCGGTGACGGTAACATCCACAATGGCTGTGGAGGATAGCTG-3'